The following is an entry in ClinVar:

NM_001136193.2(FASTKD2):c.423T>G (p.Asn141Lys)

Gene: FASTKD2 (FAST kinase domains 2; plus strand). Cytogenetic location: 2q33.3.
Variant type: single nucleotide variant.
Coding change: c.423T>G on transcript NM_001136193.2 (MANE Select); coding-DNA position 423, T replaced by G.
Protein change: p.Asn141Lys; replaces asparagine 141 with lysine.
Molecular consequence: missense variant.
Genome position (GRCh38, 1-based): chr2:206,767,116, T>G. VCF-style: chr2-206767116-T-G. GRCh37 (hg19) VCF-style: chr2-207631840-T-G.
Other names: c.423T>G, p.Asn141Lys (NM_001136194.2, NM_014929.4); short protein forms N141K.
Identifiers: ClinVar variation 3602474 (VCV003602474.1).

ClinVar aggregate classification (germline): Uncertain significance (1 of 4 stars; one submission).

gnomAD v4.1: 1 of 1,614,052 alleles (0.000062%); no homozygotes.

Submission:

GeneDx
Classification: Uncertain significance. Last evaluated: 2024-07-31. Review status: criteria provided, single submitter. Criteria: GeneDx Variant Classification Process June 2021. Collection method: clinical testing. Allele origin: germline. Affected: yes.
Comment: Not observed at significant frequency in large population cohorts (gnomAD); In silico analysis indicates that this missense variant does not alter protein structure/function; Has not been previously published as pathogenic or benign to our knowledge